The following is an entry in ClinVar:

NM_001282531.3(ADNP):c.2083A>G (p.Asn695Asp)

Gene: ADNP (activity dependent neuroprotector homeobox; minus strand). Cytogenetic location: 20q13.13.
Variant type: single nucleotide variant.
Coding change: c.2083A>G on transcript NM_001282531.3 (MANE Select); coding-DNA position 2083, A replaced by G.
Protein change: p.Asn695Asp; replaces asparagine 695 with aspartic acid.
Molecular consequence: missense variant.
Genome position (GRCh38, 1-based): chr20:50,892,631, T>C on the plus strand (A>G on the coding strand, the complement: ADNP is on the minus strand). VCF-style: chr20-50892631-T-C. GRCh37 (hg19) VCF-style: chr20-49509168-T-C.
Other names: c.2083A>G, p.Asn695Asp (NM_001282532.2, NM_001347511.2, NM_015339.5 and 1 more transcripts); short protein forms N695D.
Identifiers: ClinVar variation 1304872 (VCV001304872.2), dbSNP rs2122747695, ClinGen allele CA408971230.
Genomic context (GRCh38, chr20:50,892,631, plus strand): 5'-CAGGTGCCAGACTTGGAGACTGATTAAGCCGAGAGGGTGCATTTGTCTTATCCTGGCCAT[T>C]TTGGGTCTTTCCAACGCCCCTGCAGTGAACTAGATGCAGAGTGATAGTTGAGGCGGTCAT-3'
Protein context (NP_001269460.1, residues 685-705): VHCRGVGKTQ[Asn695Asp]GQDKTNAPSR

ClinVar aggregate classification (germline): Uncertain significance (1 of 4 stars; one submission).

Allele frequency attached by ClinVar (database versions not stated): gnomAD exomes below 0.00001.
gnomAD v4.1: 1 of 1,614,188 alleles (0.000062%); highest among the groups gnomAD compares: Non-Finnish European, 0.000085%; no homozygotes.

Submission:

GeneDx
Classification: Uncertain significance. Last evaluated: 2019-08-14. Review status: criteria provided, single submitter. Criteria: GeneDx Variant Classification Process June 2021. Collection method: clinical testing. Allele origin: germline. Affected: yes.
Comment: Not observed in large population cohorts (Lek et al., 2016); In silico analysis, which includes protein predictors and evolutionary conservation, supports that this variant does not alter protein structure/function; Has not been previously published as pathogenic or benign to our knowledge